The following is an entry in ClinVar:

NM_001379291.1(BRD4):c.1237C>T (p.Arg413Cys)

Gene: BRD4 (bromodomain containing 4; minus strand). Cytogenetic location: 19p13.12.
Variant type: single nucleotide variant.
Coding change: c.1237C>T on transcript NM_001379291.1 (MANE Select); coding-DNA position 1237, C replaced by T.
Protein change: p.Arg413Cys; replaces arginine 413 with cysteine.
Molecular consequence: missense variant.
Genome position (GRCh38, 1-based): chr19:15,263,524, G>A on the plus strand (C>T on the coding strand, the complement: BRD4 is on the minus strand). VCF-style: chr19-15263524-G-A. GRCh37 (hg19) VCF-style: chr19-15374335-G-A.
Other names: c.1237C>T, p.Arg413Cys (NM_001330384.2, NM_001379292.1, NM_014299.3 and 1 more transcripts); short protein forms R413C.
Identifiers: ClinVar variation 4693998 (VCV004693998.1).
Genomic context (GRCh38, chr19:15,263,524, plus strand): 5'-TGTACTTATAGCAGTTGGAGAACATCAATCGGACGTCAGCACCAAACTCCTGAGCATCAC[G>A]GTACTCACGGGCCTCCAGTTTAGACTGGAAAACAAGACAAGTCCCTGTTAGCTGTGTCTG-3'
Protein context (NP_001366220.1, residues 403-423): IKSKLEAREY[Arg413Cys]DAQEFGADVR

ClinVar aggregate classification (germline): Uncertain significance (1 of 4 stars; one submission).

gnomAD v4.1: 70 of 1,614,224 alleles (0.0043%); highest among the groups gnomAD compares: Middle Eastern, 0.033%; no homozygotes.

Submission:

Labcorp Genetics (formerly Invitae), Labcorp
Classification: Uncertain significance. Last evaluated: 2025-10-10. Review status: criteria provided, single submitter. Criteria: Invitae Variant Classification Sherloc (09022015). Collection method: clinical testing. Allele origin: germline.
Comment: This sequence change replaces arginine, which is basic and polar, with cysteine, which is neutral and slightly polar, at codon 413 of the BRD4 protein (p.Arg413Cys). This variant is present in population databases (rs559867489, gnomAD 0.003%). This variant has not been reported in the literature in individuals affected with BRD4-related conditions. Invitae Evidence Modeling of protein sequence and biophysical properties (such as structural, functional, and spatial information, amino acid conservation, physicochemical variation, residue mobility, and thermodynamic stability) indicates that this missense variant is not expected to disrupt BRD4 protein function with a negative predictive value of 80%. In summary, the available evidence is currently insufficient to determine the role of this variant in disease. Therefore, it has been classified as a Variant of Uncertain Significance.